The following is an entry in ClinVar:

ClinVar aggregate classification (germline): Conflicting classifications of pathogenicity. Review status: criteria provided, conflicting classifications (1 of 4 stars). 7 submissions from 6 submitters: Uncertain significance (5); Likely benign (2). Last evaluated 2026-01-25.

Conditions:
Hereditary cancer-predisposing syndrome. Also called: Tumor predisposition; Neoplastic Syndromes, Hereditary; Hereditary Cancer Syndrome; Hereditary neoplastic syndrome. Identifiers: Orphanet 140162, MedGen C0027672, MeSH D009386, MONDO:0015356.
Hyperparathyroidism. Identifiers: MedGen C0020502, MONDO:0001741, HP:0000843.
Multiple endocrine neoplasia, type 1 (MEN1). Also called: MEA I; MEN I; WERMER SYNDROME; Endocrine adenomatosis multiple; MEN 1. Identifiers: Orphanet 652, MedGen C0025267, MeSH D018761, MONDO:0007540, OMIM 131100.

Allele frequency attached by ClinVar (database versions not stated): ExAC 0.00003; gnomAD exomes 0.00003 and 0.00005; TOPMed 0.00003; gnomAD 0.00004.
gnomAD v4.1: 84 of 1,614,056 alleles (0.0052%); highest among the groups gnomAD compares: Non-Finnish European, 0.0067%; no homozygotes.

Submissions (7):

Labcorp Genetics (formerly Invitae), Labcorp
Classification: Likely benign for Multiple endocrine neoplasia, type 1. Last evaluated: 2026-01-25. Review status: criteria provided, single submitter. Criteria: Invitae Variant Classification Sherloc (09022015). Collection method: clinical testing. Allele origin: germline.

Color Diagnostics, LLC DBA Color Health
Classification: Uncertain significance for Multiple endocrine neoplasia, type 1. Last evaluated: 2024-07-17. Review status: criteria provided, single submitter. Criteria: ACMG Guidelines, 2015. Collection method: clinical testing. Allele origin: germline.
Comment: This missense variant replaces arginine with glutamine at codon 314 of the MEN1 protein. Computational prediction suggests that this variant may not impact protein structure and function. To our knowledge, functional studies have not been reported for this variant. This variant has not been reported in individuals affected with MEN1-related disorders in the literature. This variant has been identified in 9/282836 chromosomes in the general population by the Genome Aggregation Database (gnomAD). The available evidence is insufficient to determine the role of this variant in disease conclusively. Therefore, this variant is classified as a Variant of Uncertain Significance.

GeneDx
Classification: Uncertain significance. Last evaluated: 2022-05-12. Review status: criteria provided, single submitter. Criteria: GeneDx Variant Classification Process June 2021. Collection method: clinical testing. Allele origin: germline. Affected: yes.
Comment: In silico analysis supports that this missense variant does not alter protein structure/function; Has not been previously published as pathogenic or benign to our knowledge; This variant is associated with the following publications: (PMID: 12874027)

Ambry Genetics
Classification: Likely benign for Hereditary cancer-predisposing syndrome. Last evaluated: 2021-11-22. Review status: criteria provided, single submitter. Criteria: Ambry Variant Classification Scheme 2023. Collection method: clinical testing. Allele origin: germline.

Fulgent Genetics
Classification: Uncertain significance for Multiple endocrine neoplasia, type 1. Last evaluated: 2021-07-07. Review status: criteria provided, single submitter. Criteria: ACMG Guidelines, 2015. Collection method: clinical testing. Allele origin: unknown.

Illumina Laboratory Services, Illumina
Classification: Uncertain significance for Hyperparathyroidism. Last evaluated: 2018-01-13. Review status: criteria provided, single submitter. Criteria: ICSL Variant Classification Criteria 13 December 2019. Collection method: clinical testing. Allele origin: germline.

Illumina Laboratory Services, Illumina
Classification: Uncertain significance for Multiple endocrine neoplasia, type 1. Last evaluated: 2018-01-13. Review status: criteria provided, single submitter. Criteria: ICSL Variant Classification Criteria 13 December 2019. Collection method: clinical testing. Allele origin: germline.

NM_001370259.2(MEN1):c.941G>A (p.Arg314Gln)

Gene: MEN1 (menin 1; minus strand). Cytogenetic location: 11q13.1.
Variant type: single nucleotide variant.
Coding change: c.941G>A on transcript NM_001370259.2 (MANE Select); coding-DNA position 941, G replaced by A.
Protein change: p.Arg314Gln; replaces arginine 314 with glutamine.
Molecular consequence: missense variant.
Genome position (GRCh38, 1-based): chr11:64,806,340, C>T on the plus strand (G>A on the coding strand, the complement: MEN1 is on the minus strand). VCF-style: chr11-64806340-C-T. GRCh37 (hg19) VCF-style: chr11-64573812-C-T.
Other names: c.941G>A, p.Arg314Gln (NM_001370260.2, NM_001370261.2, NM_130799.3 and 1 more transcripts); c.836G>A, p.Arg279Gln (NM_001370262.2, NM_001370263.2); c.956G>A, p.Arg319Gln (NM_130800.3, NM_130801.3, NM_130802.3 and 3 more transcripts); short protein forms R314Q, R319Q, R279Q.
Identifiers: ClinVar variation 485711 (VCV000485711.19), dbSNP rs771645621, ClinGen allele CA061855.
Genomic context (GRCh38, chr11:64,806,340, plus strand): 5'-ACATTGCGGTTGCGACAGTGGTAGCCAGCCAGGTACATGTAGGGGTAGATGTGTTCATCC[C>T]GATAGTAGGTCTTGGCTGAGGCAATGCCCTGGATGGAGGTGAGGCAGAGGATCCTCAGGG-3'
Protein context (NP_001357188.2, residues 304-324): KGIASAKTYY[Arg314Gln]DEHIYPYMYL